The following is an entry in ClinVar:

ClinVar aggregate classification (germline): Benign (0 of 4 stars; one submission).

Conditions:
MUC16-related disorder. Also called: MUC16-related condition.

Allele frequency attached by ClinVar (database versions not stated): gnomAD exomes 0.00046; ExAC 0.00155; ESP Exome Variant Server 0.00416; gnomAD 0.00458; 1000 Genomes Project 0.00499; TOPMed 0.00501; 1000 Genomes Project 30x 0.00562.

Submission:

PreventionGenetics, part of Exact Sciences
Classification: Benign for MUC16-related condition. Last evaluated: 2019-02-19. Review status: no assertion criteria provided. Collection method: clinical testing. Allele origin: germline.
Comment: This variant is classified as benign based on ACMG/AMP sequence variant interpretation guidelines (Richards et al. 2015 PMID: 25741868, with internal and published modifications).

NM_001401501.2(MUC16):c.31463C>G (p.Pro10488Arg)

Gene: MUC16 (mucin 16, cell surface associated; minus strand). Cytogenetic location: 19p13.2.
Variant type: single nucleotide variant.
Coding change: c.31463C>G on transcript NM_001401501.2 (MANE Select); coding-DNA position 31463, C replaced by G.
Protein change: p.Pro10488Arg; replaces proline 10488 with arginine.
Molecular consequence: missense variant.
Genome position (GRCh38, 1-based): chr19:8,943,603, G>C on the plus strand (C>G on the coding strand, the complement: MUC16 is on the minus strand). VCF-style: chr19-8943603-G-C. GRCh37 (hg19) VCF-style: chr19-9054279-G-C.
Other names: c.31889C>G, p.Pro10630Arg (NM_001414686.1); c.31343C>G, p.Pro10448Arg (NM_001414687.1, NM_024690.2); short protein forms P10448R, P10488R, P10630R.
Identifiers: ClinVar variation 3034827 (VCV003034827.2), dbSNP rs190420907, ClinGen allele CA9166909.